The following is an entry in ClinVar:

ClinVar aggregate classification (germline): Uncertain significance. Review status: criteria provided, multiple submitters, no conflicts (2 of 4 stars). 3 submissions from 3 submitters: Uncertain significance (3). Last evaluated 2026-01-14.

Conditions:
Hereditary pulmonary alveolar proteinosis. Also called: Pulmonary surfactant metabolism dysfunction. Identifiers: Orphanet 264675, MedGen C3711368, MONDO:0012580.
ABCA3-related disorder. Also called: ABCA3-related condition.

Allele frequency attached by ClinVar (database versions not stated): ExAC 0.00005; gnomAD exomes 0.00007; gnomAD 0.00009; TOPMed 0.00009; 1000 Genomes Project 30x 0.00016; 1000 Genomes Project 0.00020.
gnomAD v4.1: 112 of 1,552,056 alleles (0.0072%); highest among the groups gnomAD compares: East Asian, 0.034%; no homozygotes.

Submissions (3):

Labcorp Genetics (formerly Invitae), Labcorp
Classification: Uncertain significance. Last evaluated: 2026-01-14. Review status: criteria provided, single submitter. Criteria: Invitae Variant Classification Sherloc (09022015). Collection method: clinical testing. Allele origin: germline.
Comment: This sequence change replaces arginine, which is basic and polar, with glutamine, which is neutral and polar, at codon 1095 of the ABCA3 protein (p.Arg1095Gln). This variant is present in population databases (rs144658303, gnomAD 0.03%). This variant has not been reported in the literature in individuals affected with ABCA3-related conditions. ClinVar contains an entry for this variant (Variation ID: 1729776). Invitae Evidence Modeling of protein sequence and biophysical properties (such as structural, functional, and spatial information, amino acid conservation, physicochemical variation, residue mobility, and thermodynamic stability) indicates that this missense variant is not expected to disrupt ABCA3 protein function with a negative predictive value of 80%. In summary, the available evidence is currently insufficient to determine the role of this variant in disease. Therefore, it has been classified as a Variant of Uncertain Significance.

PreventionGenetics, part of Exact Sciences
Classification: Uncertain significance for ABCA3-related condition. Last evaluated: 2025-12-30. Review status: criteria provided, single submitter. Criteria: ACMG Guidelines, 2015. Collection method: clinical testing. Allele origin: germline.
Comment: The ABCA3 c.3284G>A variant is predicted to result in the amino acid substitution p.Arg1095Gln. To our knowledge, this variant has not been reported in the literature. This variant is reported in 0.031% of alleles in individuals of Latino descent in gnomAD. At this time, the clinical significance of this variant is uncertain due to the absence of conclusive functional and genetic evidence.

Ambry Genetics
Classification: Uncertain significance for Hereditary pulmonary alveolar proteinosis. Last evaluated: 2025-03-26. Review status: criteria provided, single submitter. Criteria: Ambry Variant Classification Scheme 2023. Collection method: clinical testing. Allele origin: germline.

NM_001089.3(ABCA3):c.3284G>A (p.Arg1095Gln)

Gene: ABCA3 (ATP binding cassette subfamily A member 3; minus strand). Cytogenetic location: 16p13.3.
Variant type: single nucleotide variant.
Coding change: c.3284G>A on transcript NM_001089.3 (MANE Select); coding-DNA position 3284, G replaced by A.
Protein change: p.Arg1095Gln; replaces arginine 1095 with glutamine.
Molecular consequence: missense variant.
Genome position (GRCh38, 1-based): chr16:2,285,641, C>T on the plus strand (G>A on the coding strand, the complement: ABCA3 is on the minus strand). VCF-style: chr16-2285641-C-T. GRCh37 (hg19) VCF-style: chr16-2335642-C-T.
Other names: short protein forms R1095Q.
Identifiers: ClinVar variation 1729776 (VCV001729776.5), dbSNP rs144658303, ClinGen allele CA7840543.